The following is an entry in ClinVar:

ClinVar aggregate classification (germline): Pathogenic. Review status: criteria provided, multiple submitters, no conflicts (2 of 4 stars). 6 submissions from 6 submitters: Pathogenic (5). 1 of the submissions does not count toward it. Last evaluated 2024-02-19.

Conditions:
EDA-related disorder. Also called: EDA-related condition; EDA-related disorders.
Hypohidrotic X-linked ectodermal dysplasia (XHED). Also called: ECTODERMAL DYSPLASIA, HYPOHIDROTIC, 1; CST SYNDROME; Christ-Siemans-Touraine syndrome; ECTODERMAL DYSPLASIA 1; Ectodermal Dysplasia 1, Anhidrotic; ECTODERMAL DYSPLASIA 1, HYPOHIDROTIC, X-LINKED. Identifiers: Orphanet 181, Orphanet 238468, MedGen C0162359, MONDO:0010585, OMIM 305100.
Tooth agenesis, selective, X-linked, 1 (STHAGX1). Also called: HYPODONTIA/OLIGODONTIA, X-LINKED, 1. Identifiers: Orphanet 99798, MedGen C1970757, MONDO:0010741, OMIM 313500. Disease mechanism: loss of function.

Submissions (6):

Institute of Human Genetics, University of Leipzig Medical Center
Classification: Pathogenic for Hypohidrotic X-linked ectodermal dysplasia. Last evaluated: 2024-02-19. Review status: criteria provided, single submitter. Criteria: ACMG Guidelines, 2015. Collection method: clinical testing. Allele origin: maternal. Inheritance: X-linked recessive inheritance. Affected: yes.
Comment: Criteria applied: PS2,PS4,PM4,PM2_SUP,PP4

Labcorp Genetics (formerly Invitae), Labcorp
Classification: Pathogenic for Hypohidrotic X-linked ectodermal dysplasia. Last evaluated: 2022-08-27. Review status: criteria provided, single submitter. Criteria: Invitae Variant Classification Sherloc (09022015). Collection method: clinical testing. Allele origin: germline.
Comment: Algorithms developed to predict the effect of variants on protein structure and function are not available or were not evaluated for this variant. For these reasons, this variant has been classified as Pathogenic. Experimental studies have shown that this variant does not substantially affect EDA function (PMID: 11279189). ClinVar contains an entry for this variant (Variation ID: 44197). This variant has been observed in individual(s) with ectodermal dysplasia (PMID: 9683615, 23553579, 31796081, 31924237). In at least one individual the variant was observed to be de novo. This variant is not present in population databases (gnomAD no frequency). This variant, c.546_581del, results in the deletion of 12 amino acid(s) of the EDA protein (p.Asn185_Pro196del), but otherwise preserves the integrity of the reading frame.

Fulgent Genetics
Classification: Pathogenic for Hypohidrotic X-linked ectodermal dysplasia; Tooth agenesis, selective, X-linked, 1. Last evaluated: 2022-02-20. Review status: criteria provided, single submitter. Criteria: ACMG Guidelines, 2015. Collection method: clinical testing. Allele origin: unknown.

Blueprint Genetics
Classification: Pathogenic for EDA-related disorders. Last evaluated: 2018-03-16. Review status: criteria provided, single submitter. Criteria: ACMG Guidelines, 2015. Collection method: clinical testing. Allele origin: germline. Affected: yes. Observed: 1 variant allele.

Laboratory for Molecular Medicine, Mass General Brigham Personalized Medicine
Classification: Pathogenic for Hypohidrotic X-linked ectodermal dysplasia. Last evaluated: 2018-01-30. Review status: criteria provided, single submitter. Criteria: LMM Criteria. Collection method: clinical testing. Allele origin: germline. Inheritance: X-linked inheritance. Observed: 4 variant alleles.
Comment: The p.Asn185_Pro196del (c.546_581del and c.553_588del) in-frame deletion in EDA has been identified in >10 individuals with X-linked hypohidrotic ectodermal dys plasia (de novo in at least 2 of these individuals) and segregated with disease in 1 affected relative (Bayes 1998, Monreal 1998, Schneider 2001, Lexner 2008, v an der Hout 2008, Schneider 2011, LMM data). Two different deletions (c.546_581d el and c.553_588del), which result in the same p.Asn185_Pro196del in-frame delet ion, have been reported in the individuals described above. In summary, this var iant meets criteria to be classified as pathogenic for X-linked hypohidrotic ect odermal dysplasia based upon its identification in affected individuals and de n ovo occurrences. ACMG/AMP Criteria applied: PS4; PM6_Strong; PM4; PP4.

Department of Pediatric and Adolescent Medicine, University of Erlangen
Classification: Pathogenic for Hypohidrotic X-linked ectodermal dysplasia. Last evaluated: 2025-01-07. Review status: no assertion criteria provided. Collection method: clinical testing. Allele origin: germline. Affected: yes. Clinical features observed: heat intolerance. Not counted in ClinVar's aggregate classification.
Comment: This variant was found in two probands with typical features of XLHED

Literature cited by the submitters: PubMed 11279189 (cited by Labcorp Genetics (formerly Invitae), Labcorp and Laboratory for Molecular Medicine, Mass General Brigham Personalized Medicine); PubMed 9683615 (cited by Labcorp Genetics (formerly Invitae), Labcorp and Laboratory for Molecular Medicine, Mass General Brigham Personalized Medicine); PubMed 23553579 (cited by Labcorp Genetics (formerly Invitae), Labcorp); PubMed 31796081 (cited by Labcorp Genetics (formerly Invitae), Labcorp); PubMed 31924237 (cited by Labcorp Genetics (formerly Invitae), Labcorp); PubMed 18510547 (cited by Laboratory for Molecular Medicine, Mass General Brigham Personalized Medicine); PubMed 21357618 (cited by Laboratory for Molecular Medicine, Mass General Brigham Personalized Medicine); PubMed 9736768 (cited by Laboratory for Molecular Medicine, Mass General Brigham Personalized Medicine); PubMed 18231121 (cited by Laboratory for Molecular Medicine, Mass General Brigham Personalized Medicine).

NC_000023.11:g.70027876_70027911del

Gene: EDA (ectodysplasin A; plus strand). Cytogenetic location: Xq13.1.
Variant type: Deletion.
Genome position: GRCh38: chrX:70,027,876-70,027,911. GRCh37 (hg19): chrX:69,247,726-69,247,761.
Other names: c.546_581del, p.Asn185_Pro196del (NM_001005609.2, NM_001005612.3, NM_001399.5).
Identifiers: ClinVar variation 44197 (VCV000044197.14), dbSNP rs397516665, ClinGen allele CA261494.